The following is an entry in ClinVar:

ClinVar aggregate classification (germline): Uncertain significance (1 of 4 stars; one submission).

Conditions:
Dyskeratosis congenita, autosomal dominant 6 (DKCA6). Identifiers: Orphanet 3322, MedGen C4225284, MONDO:0014690, OMIM 616553.

Allele frequency attached by ClinVar (database versions not stated): gnomAD exomes below 0.00001; ExAC 0.00001; ESP Exome Variant Server 0.00008.

Submission:

Labcorp Genetics (formerly Invitae), Labcorp
Classification: Uncertain significance for Dyskeratosis congenita, autosomal dominant 6. Last evaluated: 2025-06-04. Review status: criteria provided, single submitter. Criteria: Invitae Variant Classification Sherloc (09022015). Collection method: clinical testing. Allele origin: germline.
Comment: This sequence change replaces glutamic acid, which is acidic and polar, with glutamine, which is neutral and polar, at codon 201 of the ACD protein (p.Glu201Gln). This variant is present in population databases (rs141113896, gnomAD 0.0009%). This variant has not been reported in the literature in individuals affected with ACD-related conditions. ClinVar contains an entry for this variant (Variation ID: 838956). Invitae Evidence Modeling of protein sequence and biophysical properties (such as structural, functional, and spatial information, amino acid conservation, physicochemical variation, residue mobility, and thermodynamic stability) indicates that this missense variant is expected to disrupt ACD protein function with a positive predictive value of 80%. In summary, the available evidence is currently insufficient to determine the role of this variant in disease. Therefore, it has been classified as a Variant of Uncertain Significance.

NM_001082486.2(ACD):c.343G>C (p.Glu115Gln)

Gene: ACD (ACD shelterin complex subunit and telomerase recruitment factor; minus strand). Cytogenetic location: 16q22.1.
Variant type: single nucleotide variant.
Coding change: c.343G>C on transcript NM_001082486.2 (MANE Select); coding-DNA position 343, G replaced by C.
Protein change: p.Glu115Gln; replaces glutamic acid 115 with glutamine.
Molecular consequence: missense variant.
Genome position (GRCh38, 1-based): chr16:67,659,607, C>G on the plus strand (G>C on the coding strand, the complement: ACD is on the minus strand). VCF-style: chr16-67659607-C-G. GRCh37 (hg19) VCF-style: chr16-67693510-C-G.
Other names: c.334G>C, p.Glu112Gln (NM_022914.3); short protein forms E112Q, E115Q.
Identifiers: ClinVar variation 838956 (VCV000838956.2), dbSNP rs141113896, ClinGen allele CA8114732.